The following is an entry in ClinVar:

NM_001903.5(CTNNA1):c.2451C>T (p.Ser817=)

Gene: CTNNA1 (catenin alpha 1; plus strand). Cytogenetic location: 5q31.2.
Variant type: single nucleotide variant.
Coding change: c.2451C>T on transcript NM_001903.5 (MANE Select); coding-DNA position 2451, C replaced by T.
Protein change: p.Ser817=; no amino-acid change (serine 817 retained).
Molecular consequence: synonymous variant. On other transcripts: missense variant (5), intron variant (1).
Genome position (GRCh38, 1-based): chr5:138,933,819, C>T. VCF-style: chr5-138933819-C-T. GRCh37 (hg19) VCF-style: chr5-138269508-C-T.
Other names: c.2522C>T, p.Pro841Leu (NM_001290307.3); c.2142C>T, p.Ser714= (NM_001290309.3); c.2082C>T, p.Ser694= (NM_001290310.3); c.1341C>T, p.Ser447= (NM_001290312.1, NM_001323987.1, NM_001323988.1 and 12 more transcripts); c.2451C>T, p.Ser817= (NM_001323982.2, NM_001323983.1, NM_001323984.2); c.2358C>T, p.Ser786= (NM_001323986.2); c.1206C>T, p.Ser402= (NM_001324001.1); c.1412C>T, p.Pro471Leu (NM_001324002.1, NM_001324003.1, NM_001324004.1 and 1 more transcripts); and 4 more; short protein forms P471L, P841L.
Identifiers: ClinVar variation 1114997 (VCV001114997.13), dbSNP rs1414467335, ClinGen allele CA361134989.

ClinVar aggregate classification (germline): Benign/Likely benign. Review status: criteria provided, multiple submitters, no conflicts (2 of 4 stars). 3 submissions from 3 submitters: Benign (1); Likely benign (2). Last evaluated 2025-05-28.

Conditions:
Hereditary cancer-predisposing syndrome. Also called: Neoplastic Syndromes, Hereditary; Hereditary Cancer Syndrome; Hereditary neoplastic syndrome; Tumor predisposition. Identifiers: Orphanet 140162, MedGen C0027672, MeSH D009386, MONDO:0015356.
Hereditary diffuse gastric adenocarcinoma (HDGC). Also called: DIFFUSE GASTRIC AND LOBULAR BREAST CANCER SYNDROME. Identifiers: Orphanet 26106, MedGen C1708349, MONDO:0007648, OMIM 137215.

Allele frequency attached by ClinVar (database versions not stated): gnomAD exomes below 0.00001.

Submissions (3):

Labcorp Genetics (formerly Invitae), Labcorp
Classification: Likely benign. Last evaluated: 2025-05-28. Review status: criteria provided, single submitter. Criteria: Invitae Variant Classification Sherloc (09022015). Collection method: clinical testing. Allele origin: germline.

Myriad Genetics, Inc.
Classification: Benign for Hereditary diffuse gastric adenocarcinoma. Last evaluated: 2024-10-15. Review status: criteria provided, single submitter. Criteria: Myriad Autosomal Dominant, Autosomal Recessive and X-Linked Classification Criteria (2023). Collection method: clinical testing. Allele origin: unknown.
Comment: This variant is considered benign. This variant is a silent/synonymous amino acid change and it is not expected to impact splicing.

Ambry Genetics
Classification: Likely benign for Hereditary cancer-predisposing syndrome. Last evaluated: 2020-02-18. Review status: criteria provided, single submitter. Criteria: Ambry Variant Classification Scheme 2023. Collection method: clinical testing. Allele origin: germline.